The following is an entry in ClinVar:

ClinVar aggregate classification (germline): Uncertain significance. Review status: criteria provided, multiple submitters, no conflicts (2 of 4 stars). 2 submissions from 2 submitters: Uncertain significance (2). Last evaluated 2025-12-01.

Allele frequency attached by ClinVar (database versions not stated): gnomAD 0.00001 and 0.00002; gnomAD exomes 0.00001; TOPMed 0.00002.
gnomAD v4.1: 19 of 1,614,044 alleles (0.0012%); highest among the groups gnomAD compares: Middle Eastern, 0.016%; no homozygotes.

Submissions (2):

Labcorp Genetics (formerly Invitae), Labcorp
Classification: Uncertain significance. Last evaluated: 2025-12-01. Review status: criteria provided, single submitter. Criteria: Invitae Variant Classification Sherloc (09022015). Collection method: clinical testing. Allele origin: germline.
Comment: This sequence change replaces aspartic acid, which is acidic and polar, with asparagine, which is neutral and polar, at codon 569 of the CLCN6 protein (p.Asp569Asn). This variant is present in population databases (no rsID available, gnomAD 0.007%). This variant has not been reported in the literature in individuals affected with CLCN6-related conditions. ClinVar contains an entry for this variant (Variation ID: 1366111). An algorithm developed to predict the effect of missense changes on protein structure and function (PolyPhen-2) suggests that this variant is likely to be disruptive. In summary, the available evidence is currently insufficient to determine the role of this variant in disease. Therefore, it has been classified as a Variant of Uncertain Significance.

Ambry Genetics
Classification: Uncertain significance. Last evaluated: 2022-10-04. Review status: criteria provided, single submitter. Criteria: Ambry Variant Classification Scheme 2023. Collection method: clinical testing. Allele origin: germline.

NM_001286.5(CLCN6):c.1705G>A (p.Asp569Asn)

Gene: CLCN6 (chloride voltage-gated channel 6; plus strand). Cytogenetic location: 1p36.22.
Variant type: single nucleotide variant.
Coding change: c.1705G>A on transcript NM_001286.5 (MANE Select); coding-DNA position 1705, G replaced by A.
Protein change: p.Asp569Asn; replaces aspartic acid 569 with asparagine.
Molecular consequence: missense variant. On other transcripts: non-coding transcript variant (1).
Genome position (GRCh38, 1-based): chr1:11,834,502, G>A. VCF-style: chr1-11834502-G-A. GRCh37 (hg19) VCF-style: chr1-11894559-G-A.
Other names: c.1639G>A, p.Asp547Asn (NM_001256959.2); c.1705G>A (NM_001286.2); short protein forms D569N, D547N.
Identifiers: ClinVar variation 1366111 (VCV001366111.9), dbSNP rs937826223, ClinGen allele CA18002980.